The following is an entry in ClinVar:

ClinVar aggregate classification (germline): Uncertain significance. Review status: criteria provided, multiple submitters, no conflicts (2 of 4 stars). 4 submissions from 4 submitters: Uncertain significance (4). Last evaluated 2022-08-19.

Conditions:
Inborn genetic diseases. Identifiers: MedGen C0950123, MeSH D030342.
Hermansky-Pudlak syndrome 5 (HPS5). Identifiers: Orphanet 231512, Orphanet 79430, MedGen C3888004, MONDO:0013557, OMIM 614074.

Allele frequency attached by ClinVar (database versions not stated): gnomAD 0.00011 and 0.00012; ExAC 0.00019; ESP Exome Variant Server 0.00031; TOPMed 0.00012; gnomAD exomes 0.00017.
gnomAD v4.1: 271 of 1,614,028 alleles (0.017%); highest among the groups gnomAD compares: Non-Finnish European, 0.019%; no homozygotes.

Submissions (4):

Labcorp Genetics (formerly Invitae), Labcorp
Classification: Uncertain significance. Last evaluated: 2022-08-19. Review status: criteria provided, single submitter. Criteria: Invitae Variant Classification Sherloc (09022015). Collection method: clinical testing. Allele origin: germline.
Comment: This sequence change replaces lysine, which is basic and polar, with threonine, which is neutral and polar, at codon 590 of the HPS5 protein (p.Lys590Thr). This variant is present in population databases (rs147413884, gnomAD 0.1%). This variant has not been reported in the literature in individuals affected with HPS5-related conditions. ClinVar contains an entry for this variant (Variation ID: 879742). Algorithms developed to predict the effect of missense changes on protein structure and function (SIFT, PolyPhen-2, Align-GVGD) all suggest that this variant is likely to be tolerated. In summary, the available evidence is currently insufficient to determine the role of this variant in disease. Therefore, it has been classified as a Variant of Uncertain Significance.

Ambry Genetics
Classification: Uncertain significance for Inborn genetic diseases. Last evaluated: 2021-08-02. Review status: criteria provided, single submitter. Criteria: Ambry Variant Classification Scheme 2023. Collection method: clinical testing. Allele origin: germline.

Illumina Laboratory Services, Illumina
Classification: Uncertain significance for Hermansky-Pudlak syndrome 5. Last evaluated: 2018-01-12. Review status: criteria provided, single submitter. Criteria: ICSL Variant Classification Criteria 13 December 2019. Collection method: clinical testing. Allele origin: germline.

Breakthrough Genomics
Classification: Uncertain significance. Review status: criteria provided, single submitter. Criteria: ACMG Guidelines, 2015. Collection method: not provided. Allele origin: germline. Inheritance: Autosomal recessive inheritance. Affected: yes.

NM_181507.2(HPS5):c.1769A>C (p.Lys590Thr)

Gene: HPS5 (HPS5 biogenesis of lysosomal organelles complex 2 subunit 2; minus strand). Cytogenetic location: 11p15.1.
Variant type: single nucleotide variant.
Coding change: c.1769A>C on transcript NM_181507.2 (MANE Select); coding-DNA position 1769, A replaced by C.
Protein change: p.Lys590Thr; replaces lysine 590 with threonine.
Molecular consequence: missense variant.
Genome position (GRCh38, 1-based): chr11:18,295,035, T>G on the plus strand (A>C on the coding strand, the complement: HPS5 is on the minus strand). VCF-style: chr11-18295035-T-G. GRCh37 (hg19) VCF-style: chr11-18316582-T-G.
Other names: c.1427A>C, p.Lys476Thr (NM_007216.4, NM_181508.2); short protein forms K476T, K590T.
Identifiers: ClinVar variation 879742 (VCV000879742.9), dbSNP rs147413884, ClinGen allele CA5910020.